The following is an entry in ClinVar:

ClinVar aggregate classification (germline): Uncertain significance (1 of 4 stars; one submission).

Allele frequency attached by ClinVar (database versions not stated): gnomAD exomes below 0.00001; TOPMed 0.00001.
gnomAD v4.1: 1 of 1,614,166 alleles (0.000062%); highest among the groups gnomAD compares: Admixed American, 0.0017%; no homozygotes.

Submission:

Labcorp Genetics (formerly Invitae), Labcorp
Classification: Uncertain significance. Last evaluated: 2021-10-12. Review status: criteria provided, single submitter. Criteria: Invitae Variant Classification Sherloc (09022015). Collection method: clinical testing. Allele origin: germline.
Comment: This variant has not been reported in the literature in individuals affected with ABCA4-related conditions. This variant is not present in population databases (ExAC no frequency). This sequence change replaces serine with asparagine at codon 1173 of the ABCA4 protein (p.Ser1173Asn). The serine residue is weakly conserved and there is a small physicochemical difference between serine and asparagine. Advanced modeling of protein sequence and biophysical properties (such as structural, functional, and spatial information, amino acid conservation, physicochemical variation, residue mobility, and thermodynamic stability) performed at Invitae indicates that this missense variant is not expected to disrupt ABCA4 protein function. In summary, the available evidence is currently insufficient to determine the role of this variant in disease. Therefore, it has been classified as a Variant of Uncertain Significance.

NM_000350.3(ABCA4):c.3518G>A (p.Ser1173Asn)

Gene: ABCA4 (ATP binding cassette subfamily A member 4; minus strand). Cytogenetic location: 1p22.1.
Variant type: single nucleotide variant.
Coding change: c.3518G>A on transcript NM_000350.3 (MANE Select); coding-DNA position 3518, G replaced by A.
Protein change: p.Ser1173Asn; replaces serine 1173 with asparagine.
Molecular consequence: missense variant.
Genome position (GRCh38, 1-based): chr1:94,041,213, C>T on the plus strand (G>A on the coding strand, the complement: ABCA4 is on the minus strand). VCF-style: chr1-94041213-C-T. GRCh37 (hg19) VCF-style: chr1-94506769-C-T.
Other names: c.3296G>A, p.Ser1099Asn (NM_001425324.1); short protein forms S1173N, S1099N.
Identifiers: ClinVar variation 1441103 (VCV001441103.6), dbSNP rs1210484040, ClinGen allele CA341290404.